The following is an entry in ClinVar:

NM_015102.5(NPHP4):c.4018G>A (p.Ala1340Thr)

Gene: NPHP4 (nephrocystin 4; minus strand). Cytogenetic location: 1p36.31.
Variant type: single nucleotide variant.
Coding change: c.4018G>A on transcript NM_015102.5 (MANE Select); coding-DNA position 4018, G replaced by A.
Protein change: p.Ala1340Thr; replaces alanine 1340 with threonine.
Molecular consequence: missense variant. On other transcripts: non-coding transcript variant (1).
Genome position (GRCh38, 1-based): chr1:5,864,012, C>T on the plus strand (G>A on the coding strand, the complement: NPHP4 is on the minus strand). VCF-style: chr1-5864012-C-T. GRCh37 (hg19) VCF-style: chr1-5924072-C-T.
Other names: c.4018G>A (NM_015102.4); c.2479G>A, p.Ala827Thr (NM_001291593.2); c.2482G>A, p.Ala828Thr (NM_001291594.2); short protein forms A827T, A828T, A1340T.
Identifiers: ClinVar variation 1380519 (VCV001380519.9), dbSNP rs958569972, ClinGen allele CA17124873.

ClinVar aggregate classification (germline): Uncertain significance. Review status: criteria provided, multiple submitters, no conflicts (2 of 4 stars). 3 submissions from 3 submitters: Uncertain significance (3). Last evaluated 2025-09-05.

Conditions:
Nephronophthisis 4 (NPHP4). Also called: NEPHRONOPHTHISIS 4, JUVENILE. Identifiers: Orphanet 655, MedGen C1847013, MONDO:0011752, OMIM 606966.
Senior-Loken syndrome 4 (SLSN4). Identifiers: Orphanet 3156, MedGen C1846979, MONDO:0011756, OMIM 606996.
Nephronophthisis. Also called: Juvenile Nephronophthisis. Identifiers: Orphanet 655, MedGen C0687120, MONDO:0019005, HP:0000090.
NPHP4-related disorder. Also called: NPHP4-related condition; NPHP4-related disorders. Identifiers: MedGen CN239384.

Allele frequency attached by ClinVar (database versions not stated): gnomAD exomes below 0.00001; gnomAD 0.00001; TOPMed 0.00002.
gnomAD v4.1: 3 of 1,613,442 alleles (0.00019%); highest among the groups gnomAD compares: African/African-American, 0.004%; no homozygotes.

Submissions (3):

PreventionGenetics, part of Exact Sciences
Classification: Uncertain significance for NPHP4-related condition. Last evaluated: 2025-09-05. Review status: criteria provided, single submitter. Criteria: ACMG Guidelines, 2015. Collection method: clinical testing. Allele origin: germline.
Comment: The NPHP4 c.4018G>A variant is predicted to result in the amino acid substitution p.Ala1340Thr. To our knowledge, this variant has not been reported in the literature. This variant is reported in 0.013% of alleles in individuals of African descent in gnomAD. At this time, the clinical significance of this variant is uncertain due to the absence of conclusive functional and genetic evidence.

Fulgent Genetics
Classification: Uncertain significance for Nephronophthisis 4; Senior-Loken syndrome 4. Last evaluated: 2022-04-04. Review status: criteria provided, single submitter. Criteria: ACMG Guidelines, 2015. Collection method: clinical testing. Allele origin: unknown.

Labcorp Genetics (formerly Invitae), Labcorp
Classification: Uncertain significance for Nephronophthisis. Last evaluated: 2021-07-03. Review status: criteria provided, single submitter. Criteria: Invitae Variant Classification Sherloc (09022015). Collection method: clinical testing. Allele origin: germline.
Comment: This variant is not present in population databases (ExAC no frequency). In summary, the available evidence is currently insufficient to determine the role of this variant in disease. Therefore, it has been classified as a Variant of Uncertain Significance. Algorithms developed to predict the effect of missense changes on protein structure and function are either unavailable or do not agree on the potential impact of this missense change (SIFT: "Deleterious"; PolyPhen-2: "Possibly Damaging"; Align-GVGD: "Class C0"). This variant has not been reported in the literature in individuals affected with NPHP4-related conditions. This sequence change replaces alanine with threonine at codon 1340 of the NPHP4 protein (p.Ala1340Thr). The alanine residue is moderately conserved and there is a small physicochemical difference between alanine and threonine.